The following is an entry in ClinVar:

NM_006269.2(RP1):c.4370C>G (p.Ser1457Ter)

Gene: RP1 (RP1 axonemal microtubule associated; plus strand). Cytogenetic location: 8q12.1.
Variant type: single nucleotide variant.
Coding change: c.4370C>G on transcript NM_006269.2 (MANE Select); coding-DNA position 4370, C replaced by G.
Protein change: p.Ser1457Ter; replaces serine 1457 with a stop codon.
Molecular consequence: nonsense. On other transcripts: intron variant (1).
Genome position (GRCh38, 1-based): chr8:54,628,252, C>G. VCF-style: chr8-54628252-C-G. GRCh37 (hg19) VCF-style: chr8-55540812-C-G.
Other names: c.787+5964C>G (NM_001375654.1); short protein forms S1457*.
Identifiers: ClinVar variation 1916092 (VCV001916092.5), dbSNP rs959199078, ClinGen allele CA177181789.
Genomic context (GRCh38, chr8:54,628,252, plus strand): 5'-TTGATATGGAAGAACCACGGACTTCTGAAGAACCAGGCTCAATAACCAACAGCATGACAT[C>G]AAGTGAAAGAAACATTTCAGAATTGGAATCTTTTGAAGAATTAGAAAACCATGACACTGA-3'

ClinVar aggregate classification (germline): Pathogenic (1 of 4 stars; one submission).

Allele frequency attached by ClinVar (database versions not stated): gnomAD exomes below 0.00001; gnomAD 0.00002; TOPMed 0.00002.
gnomAD v4.1: 4 of 1,613,770 alleles (0.00025%); highest among the groups gnomAD compares: African/African-American, 0.0053%; no homozygotes.

Submission:

Labcorp Genetics (formerly Invitae), Labcorp
Classification: Pathogenic. Last evaluated: 2022-05-04. Review status: criteria provided, single submitter. Criteria: Invitae Variant Classification Sherloc (09022015). Collection method: clinical testing. Allele origin: germline.
Comment: For these reasons, this variant has been classified as Pathogenic. This variant disrupts a region of the RP1 protein in which other variant(s) (p.Gln2052*) have been determined to be pathogenic (Invitae). This suggests that this is a clinically significant region of the protein, and that variants that disrupt it are likely to be disease-causing. This premature translational stop signal has been observed in individual(s) with clinical features of retinitis pigmentosa (PMID: 31630094). This variant is not present in population databases (gnomAD no frequency). This sequence change creates a premature translational stop signal (p.Ser1457*) in the RP1 gene. While this is not anticipated to result in nonsense mediated decay, it is expected to disrupt the last 700 amino acid(s) of the RP1 protein.

Literature cited by the submitters: PubMed 31630094.